The following is an entry in ClinVar:

ClinVar aggregate classification (germline): Likely benign (1 of 4 stars; one submission).

Allele frequency attached by ClinVar (database versions not stated): ExAC 0.00001; gnomAD 0.00001.

Submission:

CeGaT Center for Human Genetics Tuebingen
Classification: Likely benign. Last evaluated: 2024-07-01. Review status: criteria provided, single submitter. Criteria: CeGaT Center For Human Genetics Tuebingen Variant Classification Criteria Version 2. Collection method: clinical testing. Allele origin: germline. Affected: yes. Observed: 2 variant alleles.
Comment: KRTAP19-1: BP4, BP7

NM_181607.3(KRTAP19-1):c.186C>T (p.Tyr62=)

Gene: KRTAP19-1 (keratin associated protein 19-1; minus strand). Cytogenetic location: 21q22.11.
Variant type: single nucleotide variant.
Coding change: c.186C>T on transcript NM_181607.3 (MANE Select); coding-DNA position 186, C replaced by T.
Protein change: p.Tyr62=; no amino-acid change (tyrosine 62 retained).
Molecular consequence: synonymous variant.
Genome position (GRCh38, 1-based): chr21:30,480,132, G>A on the plus strand (C>T on the coding strand, the complement: KRTAP19-1 is on the minus strand). VCF-style: chr21-30480132-G-A. GRCh37 (hg19) VCF-style: chr21-31852451-G-A.
Identifiers: ClinVar variation 2652581 (VCV002652581.24), dbSNP rs571502343, ClinGen allele CA9995955.